The following is an entry in ClinVar:

ClinVar aggregate classification (germline): Uncertain significance. Review status: criteria provided, multiple submitters, no conflicts (2 of 4 stars). 2 submissions from 2 submitters: Uncertain significance (2). Last evaluated 2025-06-09.

Conditions:
Cohen syndrome (COH1). Also called: PEPPER SYNDROME; Cutis verticis gyrata, retinitis pigmentosa, and sensorineural deafness. Identifiers: Orphanet 193, MedGen C0265223, MONDO:0008999, OMIM 216550.

gnomAD v4.1: 1 of 1,605,704 alleles (0.000062%); highest among the groups gnomAD compares: Admixed American, 0.0017%; no homozygotes.

Submissions (2):

Labcorp Genetics (formerly Invitae), Labcorp
Classification: Uncertain significance for Cohen syndrome. Last evaluated: 2025-06-09. Review status: criteria provided, single submitter. Criteria: Invitae Variant Classification Sherloc (09022015). Collection method: clinical testing. Allele origin: germline.
Comment: This sequence change replaces proline, which is neutral and non-polar, with serine, which is neutral and polar, at codon 54 of the VPS13B protein (p.Pro54Ser). This variant is not present in population databases (gnomAD no frequency). This variant has not been reported in the literature in individuals affected with VPS13B-related conditions. ClinVar contains an entry for this variant (Variation ID: 626046). Invitae Evidence Modeling of protein sequence and biophysical properties (such as structural, functional, and spatial information, amino acid conservation, physicochemical variation, residue mobility, and thermodynamic stability) indicates that this missense variant is expected to disrupt VPS13B protein function with a positive predictive value of 80%. In summary, the available evidence is currently insufficient to determine the role of this variant in disease. Therefore, it has been classified as a Variant of Uncertain Significance.

Center for Genomics, Ann and Robert H. Lurie Children's Hospital of Chicago
Classification: Uncertain significance for Cohen syndrome. Last evaluated: 2021-03-30. Review status: criteria provided, single submitter. Criteria: ACMG Guidelines, 2015. Collection method: clinical testing. Allele origin: germline.
Comment: VPS13B NM_017890.4 exon 3 p.Pro54Ser (c.160C>T): This variant has not been reported in the literature and is not present in large control databases. Evolutionary conservation and computational predictive tools suggest that this variant may impact the protein. In summary, data on this variant is insufficient for disease classification. Therefore, the clinical significance of this variant is uncertain.

NM_152564.5(VPS13B):c.160C>T (p.Pro54Ser)

Gene: VPS13B (vacuolar protein sorting 13 homolog B; plus strand). Cytogenetic location: 8q22.2.
Variant type: single nucleotide variant.
Coding change: c.160C>T on transcript NM_152564.5 (MANE Select); coding-DNA position 160, C replaced by T.
Protein change: p.Pro54Ser; replaces proline 54 with serine.
Molecular consequence: missense variant. On other transcripts: non-coding transcript variant (1).
Genome position (GRCh38, 1-based): chr8:99,038,435, C>T. VCF-style: chr8-99038435-C-T. GRCh37 (hg19) VCF-style: chr8-100050663-C-T.
Other names: c.160C>T, p.Pro54Ser (NM_015243.3, NM_017890.5, NM_181661.3); short protein forms P54S.
Identifiers: ClinVar variation 626046 (VCV000626046.6), dbSNP rs1193369148, ClinGen allele CA371859613.
Genomic context (GRCh38, chr8:99,038,435, plus strand): 5'-AAAATATTAAGCACTTACTAATTTTTATGTAATGTTTTGTGTTTTAAGGAACTGAAATTA[C>T]CATTCACTTTTTTAAGTGGACATATTCATGAATTGAGGATTCATGTACCATGGACAAAAC-3'
Protein context (NP_689777.3, residues 44-64): LDVLEQELKL[Pro54Ser]FTFLSGHIHE